The following is an entry in ClinVar:

NM_000326.5(RLBP1):c.5C>G (p.Ser2Ter)

Gene: RLBP1 (retinaldehyde binding protein 1; minus strand). Cytogenetic location: 15q26.1.
Variant type: single nucleotide variant.
Coding change: c.5C>G on transcript NM_000326.5 (MANE Select); coding-DNA position 5, C replaced by G.
Protein change: p.Ser2Ter; replaces serine 2 with a stop codon.
Molecular consequence: nonsense.
Genome position (GRCh38, 1-based): chr15:89,218,971, G>C on the plus strand (C>G on the coding strand, the complement: RLBP1 is on the minus strand). VCF-style: chr15-89218971-G-C. GRCh37 (hg19) VCF-style: chr15-89762202-G-C.
Other names: short protein forms S2*.
Identifiers: ClinVar variation 2793624 (VCV002793624.3), dbSNP rs1212807954, ClinGen allele CA393731952.

ClinVar aggregate classification (germline): Pathogenic (1 of 4 stars; one submission).

gnomAD v4.1: 2 of 1,614,114 alleles (0.00012%); highest among the groups gnomAD compares: Non-Finnish European, 0.00017%; no homozygotes.

Submission:

Labcorp Genetics (formerly Invitae), Labcorp
Classification: Pathogenic. Last evaluated: 2023-03-22. Review status: criteria provided, single submitter. Criteria: Invitae Variant Classification Sherloc (09022015). Collection method: clinical testing. Allele origin: germline.
Comment: For these reasons, this variant has been classified as Pathogenic. This variant has not been reported in the literature in individuals affected with RLBP1-related conditions. This variant is not present in population databases (gnomAD no frequency). This sequence change creates a premature translational stop signal (p.Ser2*) in the RLBP1 gene. It is expected to result in an absent or disrupted protein product. Loss-of-function variants in RLBP1 are known to be pathogenic (PMID: 2392416, 11301032, 21447491, 25429852).

Literature cited by the submitters: PubMed 2392416; PubMed 11301032; PubMed 21447491; PubMed 25429852.